The following is an entry in ClinVar:

ClinVar aggregate classification (germline): Uncertain significance. Review status: criteria provided, multiple submitters, no conflicts (2 of 4 stars). 2 submissions from 2 submitters: Uncertain significance (2). Last evaluated 2025-12-09.

Conditions:
Cardiovascular phenotype. Identifiers: MedGen CN230736.
Dilated cardiomyopathy 1W (CMD1W). Identifiers: Orphanet 154, MedGen C1969639, MONDO:0012667, OMIM 611407.

Allele frequency attached by ClinVar (database versions not stated): ExAC 0.00001; gnomAD exomes 0.00001; ESP Exome Variant Server 0.00008.
gnomAD v4.1: 6 of 1,614,026 alleles (0.00037%); highest among the groups gnomAD compares: African/African-American, 0.008%; no homozygotes.

Submissions (2):

Labcorp Genetics (formerly Invitae), Labcorp
Classification: Uncertain significance for Dilated cardiomyopathy 1W. Last evaluated: 2025-12-09. Review status: criteria provided, single submitter. Criteria: Invitae Variant Classification Sherloc (09022015). Collection method: clinical testing. Allele origin: germline.
Comment: This sequence change replaces lysine, which is basic and polar, with threonine, which is neutral and polar, at codon 316 of the VCL protein (p.Lys316Thr). This variant is present in population databases (rs143944164, gnomAD 0.02%). This variant has not been reported in the literature in individuals affected with VCL-related conditions. ClinVar contains an entry for this variant (Variation ID: 1491036). An algorithm developed to predict the effect of missense changes on protein structure and function (PolyPhen-2) suggests that this variant is likely to be tolerated. In summary, the available evidence is currently insufficient to determine the role of this variant in disease. Therefore, it has been classified as a Variant of Uncertain Significance.

Ambry Genetics
Classification: Uncertain significance for Cardiovascular phenotype. Last evaluated: 2025-07-12. Review status: criteria provided, single submitter. Criteria: Ambry Variant Classification Scheme 2023. Collection method: clinical testing. Allele origin: germline.
Comment: The p.K316T variant (also known as c.947A>C), located in coding exon 8 of the VCL gene, results from an A to C substitution at nucleotide position 947. The lysine at codon 316 is replaced by threonine, an amino acid with similar properties. This amino acid position is conserved. In addition, this alteration is predicted to be tolerated by in silico analysis. Based on the available evidence, the clinical significance of this variant remains unclear.

NM_014000.3(VCL):c.947A>C (p.Lys316Thr)

Gene: VCL (vinculin; plus strand). Cytogenetic location: 10q22.2.
Variant type: single nucleotide variant.
Coding change: c.947A>C on transcript NM_014000.3 (MANE Select); coding-DNA position 947, A replaced by C.
Protein change: p.Lys316Thr; replaces lysine 316 with threonine.
Molecular consequence: missense variant.
Genome position (GRCh38, 1-based): chr10:74,083,438, A>C. VCF-style: chr10-74083438-A-C. GRCh37 (hg19) VCF-style: chr10-75843196-A-C.
Other names: c.947A>C, p.Lys316Thr (NM_003373.4); c.947A>C (NM_014000.2); short protein forms K316T.
Identifiers: ClinVar variation 1491036 (VCV001491036.7), dbSNP rs143944164, ClinGen allele CA5562895.